The following is an entry in ClinVar:

ClinVar aggregate classification (germline): Uncertain significance (1 of 4 stars; one submission).

Conditions:
Gorlin syndrome. Also called: Nevoid Basal Cell Carcinoma Syndrome; Basal cell nevus syndrome. Identifiers: Orphanet 377, MedGen C0004779, MONDO:0007187.

Allele frequency attached by ClinVar (database versions not stated): gnomAD exomes below 0.00001.
gnomAD v4.1: 1 of 1,614,172 alleles (0.000062%); highest among the groups gnomAD compares: South Asian, 0.0011%; no homozygotes.

Submission:

Labcorp Genetics (formerly Invitae), Labcorp
Classification: Uncertain significance for Gorlin syndrome. Last evaluated: 2022-10-23. Review status: criteria provided, single submitter. Criteria: Invitae Variant Classification Sherloc (09022015). Collection method: clinical testing. Allele origin: germline.
Comment: In summary, the available evidence is currently insufficient to determine the role of this variant in disease. Therefore, it has been classified as a Variant of Uncertain Significance. Advanced modeling of protein sequence and biophysical properties (such as structural, functional, and spatial information, amino acid conservation, physicochemical variation, residue mobility, and thermodynamic stability) has been performed at Invitae for this missense variant, however the output from this modeling did not meet the statistical confidence thresholds required to predict the impact of this variant on PTCH2 protein function. This variant has not been reported in the literature in individuals affected with PTCH2-related conditions. This variant is not present in population databases (gnomAD no frequency). This sequence change replaces alanine, which is neutral and non-polar, with valine, which is neutral and non-polar, at codon 315 of the PTCH2 protein (p.Ala315Val).

NM_003738.5(PTCH2):c.944C>T (p.Ala315Val)

Gene: PTCH2 (patched 2; minus strand). Cytogenetic location: 1p34.1.
Variant type: single nucleotide variant.
Coding change: c.944C>T on transcript NM_003738.5 (MANE Select); coding-DNA position 944, C replaced by T.
Protein change: p.Ala315Val; replaces alanine 315 with valine.
Molecular consequence: missense variant.
Genome position (GRCh38, 1-based): chr1:44,829,753, G>A on the plus strand (C>T on the coding strand, the complement: PTCH2 is on the minus strand). VCF-style: chr1-44829753-G-A. GRCh37 (hg19) VCF-style: chr1-45295425-G-A.
Other names: c.944C>T, p.Ala315Val (NM_001166292.2); short protein forms A315V.
Identifiers: ClinVar variation 2156954 (VCV002156954.4), dbSNP rs2148878119, ClinGen allele CA340104915.